The following is an entry in ClinVar:

ClinVar aggregate classification (germline): Likely benign (1 of 4 stars; one submission).

Conditions:
Ellis-van Creveld syndrome (EVC). Also called: EVC-Related Ellis-van Creveld Syndrome; EVC2-Related Ellis-van Creveld Syndrome; MESOECTODERMAL DYSPLASIA; Chondroectodermal dysplasia. Identifiers: Orphanet 289, MedGen C0013903, MONDO:0009162, OMIM 225500.

Allele frequency attached by ClinVar (database versions not stated): gnomAD exomes 0.00013; 1000 Genomes Project 30x 0.00047; 1000 Genomes Project 0.00060; gnomAD 0.00084 and 0.00090; TOPMed 0.00093.
gnomAD v4.1: 135 of 201,502 alleles (0.067%); highest among the groups gnomAD compares: African/African-American, 0.27%; 1 homozygote.

Submission:

Illumina Laboratory Services, Illumina
Classification: Likely benign for Ellis-van Creveld syndrome. Last evaluated: 2018-01-12. Review status: criteria provided, single submitter. Criteria: ICSL Variant Classification Criteria 13 December 2019. Collection method: clinical testing. Allele origin: germline.
Comment: This variant was observed in the ICSL laboratory as part of a predisposition screen in an ostensibly healthy population. It had not been previously curated by ICSL or reported in the Human Gene Mutation Database (HGMD: prior to June 1st, 2018), and was therefore a candidate for classification through an automated scoring system. Utilizing variant allele frequency, disease prevalence and penetrance estimates, and inheritance mode, an automated score was calculated to assess if this variant is too frequent to cause the disease. Based on the score and internal cut-off values, a variant classified as likely benign is not then subjected to further curation. The score for this variant resulted in a classification of likely benign for this disease.

NM_153717.3(EVC):c.*492G>A

Gene: EVC (EvC ciliary complex subunit 1; plus strand). Cytogenetic location: 4p16.2.
Variant type: single nucleotide variant.
Coding change: c.*492G>A on transcript NM_153717.3 (MANE Select); 492 bases downstream of the stop codon, G replaced by A.
Molecular consequence: 3 prime UTR variant.
Genome position (GRCh38, 1-based): chr4:5,811,529, G>A. VCF-style: chr4-5811529-G-A. GRCh37 (hg19) VCF-style: chr4-5813256-G-A.
Other names: c.*492G>A (NM_001306090.2).
Identifiers: ClinVar variation 349225 (VCV000349225.5), dbSNP rs530991301, ClinGen allele CA10618040.